The following is an entry in ClinVar:

NM_016592.5(GNAS):c.313del (p.Glu105fs)

Genes: GNAS (GNAS complex locus; plus strand), GNAS-AS1 (GNAS antisense RNA 1; minus strand). Cytogenetic location: 20q13.32.
Variant type: Deletion.
Coding change: c.313del on transcript NM_016592.5 (MANE Plus Clinical); coding-DNA position 313, one base deleted (G; older notation c.313delG).
Protein change: p.Glu105fs; shifts the reading frame from glutamic acid 105.
Molecular consequence: frameshift variant. On other transcripts: 5 prime UTR variant (1).
Genome position (GRCh38, 1-based): chr20:58,840,419, G deleted; the last of 2 consecutive G bases (chr20:58,840,418-58,840,419); deleting either gives the same sequence. VCF-style (leftmost placement, unchanged base first): chr20-58840417-AG-A. GRCh37 (hg19) VCF-style: chr20-57415472-AG-A.
Other names: c.-425del (NM_001410912.1); short protein forms E105fs.
Identifiers: ClinVar variation 4991305 (VCV004991305.1).

ClinVar aggregate classification (germline): Uncertain significance (1 of 4 stars; one submission).

Conditions:
GNAS-related disorder. Identifiers: MedGen CN380105.

Submission:

PreventionGenetics, part of Exact Sciences
Classification: Uncertain significance for GNAS-related condition. Last evaluated: 2025-11-18. Review status: criteria provided, single submitter. Criteria: ACMG Guidelines, 2015. Collection method: clinical testing. Allele origin: germline.
Comment: The GNAS c.313delG variant is predicted to result in a frameshift and premature protein termination (p.Glu105Lysfs*162). To our knowledge, this variant has not been reported in the literature or in a large population database (gnomAD), indicating this variant is rare. On the primary transcript (NM_000516) this variant is referred to as c.-51308delG (Pre-Coding). To our knowledge, only large deletions in the above region are conclusively pathogenic for pseudohypoparathyroidism type-Ib (PHP-Ib) due to methylation defects (Turan and Bastepe. 2015. PubMed ID: 25851935). Although, in some studies single nucleotide variants (SNVs) within this region have been reported in related diseases, the pathogenicity of these variants is still uncertain (see for example in Table 3 of Long et al. 2018. PubMed ID: 30022773). At this time, the clinical significance of this variant is uncertain due to the absence of conclusive functional and genetic evidence.